The following is an entry in ClinVar:

ClinVar aggregate classification (germline): Conflicting classifications of pathogenicity. Review status: criteria provided, conflicting classifications (1 of 4 stars). 4 submissions from 4 submitters: Uncertain significance (3); Likely benign (1). Last evaluated 2026-09-15.

Conditions:
FLNB-Related Spectrum Disorders.
FLNB-related disorder. Also called: FLNB-related condition; FLNB-related disorders. Identifiers: MedGen CN381095.

Allele frequency attached by ClinVar (database versions not stated): ExAC 0.00008; ESP Exome Variant Server 0.00008; gnomAD 0.00011 and 0.00012; gnomAD exomes 0.00012; TOPMed 0.00013; 1000 Genomes Project 30x 0.00016; 1000 Genomes Project 0.00020.
gnomAD v4.1: 166 of 1,614,202 alleles (0.01%); highest among the groups gnomAD compares: Middle Eastern, 0.017%; no homozygotes.

Submissions (5):

PreventionGenetics, part of Exact Sciences
Classification: Uncertain significance for FLNB-related condition. Last evaluated: 2026-09-15. Review status: criteria provided, single submitter. Criteria: ACMG Guidelines, 2015. Collection method: clinical testing. Allele origin: germline.
Comment: The FLNB c.1640C>T variant is predicted to result in the amino acid substitution p.Ala547Val. This variant has been reported in the compound heterozygous state in an individual with spondylocarpotarsal synostosis syndrome (Hauer et al. 2018. PubMed ID: 29758562). This variant is reported in 0.020% of alleles in individuals of European (Non-Finnish) descent in gnomAD. At this time, the clinical significance of this variant is uncertain due to the absence of conclusive functional and genetic evidence.

Labcorp Genetics (formerly Invitae), Labcorp
Classification: Likely benign. Last evaluated: 2026-01-17. Review status: criteria provided, single submitter. Criteria: Invitae Variant Classification Sherloc (09022015). Collection method: clinical testing. Allele origin: germline.

ARUP Laboratories, Molecular Genetics and Genomics, ARUP Laboratories
Classification: Uncertain significance. Last evaluated: 2019-02-21. Review status: criteria provided, single submitter. Criteria: ARUP Molecular Germline Variant Investigation Process. Collection method: clinical testing. Allele origin: germline.

Illumina Laboratory Services, Illumina
Classification: Uncertain significance for FLNB-Related Spectrum Disorders. Last evaluated: 2018-01-13. Review status: criteria provided, single submitter. Criteria: ICSL Variant Classification Criteria 13 December 2019. Collection method: clinical testing. Allele origin: germline.

Dr. Peter K. Rogan Lab, Western University
No classification provided (evidence only). Condition: Familial cancer of breast. Review status: no classification provided. Collection method: in vitro. Allele origin: not applicable. Functional consequence: retained intron. Not counted in ClinVar's aggregate classification.

NM_001457.4(FLNB):c.1640C>T (p.Ala547Val)

Gene: FLNB (filamin B; plus strand). Cytogenetic location: 3p14.3.
Variant type: single nucleotide variant.
Coding change: c.1640C>T on transcript NM_001457.4 (MANE Select); coding-DNA position 1640, C replaced by T.
Protein change: p.Ala547Val; replaces alanine 547 with valine.
Molecular consequence: missense variant.
Genome position (GRCh38, 1-based): chr3:58,105,109, C>T. VCF-style: chr3-58105109-C-T. GRCh37 (hg19) VCF-style: chr3-58090836-C-T.
Other names: c.1640C>T, p.Ala547Val (NM_001164317.2, NM_001164318.2, NM_001164319.2); short protein forms A547V.
Identifiers: ClinVar variation 810892 (VCV000810892.20), dbSNP rs200619215, ClinGen allele CA2467888.